The following is an entry in ClinVar:

ClinVar aggregate classification (germline): Uncertain significance. Review status: criteria provided, multiple submitters, no conflicts (2 of 4 stars). 2 submissions from 2 submitters: Uncertain significance (2). Last evaluated 2026-03-12.

Conditions:
Inborn genetic diseases. Identifiers: MedGen C0950123, MeSH D030342.

Allele frequency attached by ClinVar (database versions not stated): gnomAD 0.00001; gnomAD exomes 0.00001; TOPMed 0.00002.
gnomAD v4.1: 8 of 1,611,474 alleles (0.0005%); highest among the groups gnomAD compares: African/African-American, 0.004%; no homozygotes.

Submissions (2):

Ambry Genetics
Classification: Uncertain significance for Inborn genetic diseases. Last evaluated: 2026-03-12. Review status: criteria provided, single submitter. Criteria: Ambry Variant Classification Scheme 2023. Collection method: clinical testing. Allele origin: germline.

GeneDx
Classification: Uncertain significance. Last evaluated: 2022-09-16. Review status: criteria provided, single submitter. Criteria: GeneDx Variant Classification Process June 2021. Collection method: clinical testing. Allele origin: germline. Affected: yes.
Comment: Not observed at significant frequency in large population cohorts (gnomAD); In silico analysis supports that this missense variant does not alter protein structure/function; Has not been previously published as pathogenic or benign to our knowledge

NM_013275.6(ANKRD11):c.7249G>A (p.Ala2417Thr)

Gene: ANKRD11 (ankyrin repeat domain 11; minus strand). Cytogenetic location: 16q24.3.
Variant type: single nucleotide variant.
Coding change: c.7249G>A on transcript NM_013275.6 (MANE Select); coding-DNA position 7249, G replaced by A.
Protein change: p.Ala2417Thr; replaces alanine 2417 with threonine.
Molecular consequence: missense variant.
Genome position (GRCh38, 1-based): chr16:89,279,293, C>T on the plus strand (G>A on the coding strand, the complement: ANKRD11 is on the minus strand). VCF-style: chr16-89279293-C-T. GRCh37 (hg19) VCF-style: chr16-89345701-C-T.
Other names: c.7249G>A, p.Ala2417Thr (NM_001256182.2, NM_001256183.2); c.7249G>A (NM_013275.4); short protein forms A2417T.
Identifiers: ClinVar variation 2444751 (VCV002444751.2), dbSNP rs1205729029, ClinGen allele CA397148781.